The following is an entry in ClinVar:

ClinVar aggregate classification (germline): Uncertain significance. Review status: criteria provided, multiple submitters, no conflicts (2 of 4 stars). 2 submissions from 2 submitters: Uncertain significance (2). Last evaluated 2023-12-19.

Allele frequency attached by ClinVar (database versions not stated): TOPMed below 0.00001.

Submissions (2):

Ambry Genetics
Classification: Uncertain significance. Last evaluated: 2023-12-19. Review status: criteria provided, single submitter. Criteria: Ambry Variant Classification Scheme 2023. Collection method: clinical testing. Allele origin: germline.

Labcorp Genetics (formerly Invitae), Labcorp
Classification: Uncertain significance. Last evaluated: 2022-02-28. Review status: criteria provided, single submitter. Criteria: Invitae Variant Classification Sherloc (09022015). Collection method: clinical testing. Allele origin: germline.
Comment: This variant has not been reported in the literature in individuals affected with ADGRA3-related conditions. This variant is not present in population databases (gnomAD no frequency). This sequence change replaces histidine, which is basic and polar, with arginine, which is basic and polar, at codon 381 of the ADGRA3 protein (p.His381Arg). Algorithms developed to predict the effect of missense changes on protein structure and function (SIFT, PolyPhen-2, Align-GVGD) all suggest that this variant is likely to be tolerated. In summary, the available evidence is currently insufficient to determine the role of this variant in disease. Therefore, it has been classified as a Variant of Uncertain Significance.

NM_145290.4(ADGRA3):c.1142A>G (p.His381Arg)

Gene: ADGRA3 (adhesion G protein-coupled receptor A3; minus strand). Cytogenetic location: 4p15.2.
Variant type: single nucleotide variant.
Coding change: c.1142A>G on transcript NM_145290.4 (MANE Select); coding-DNA position 1142, A replaced by G.
Protein change: p.His381Arg; replaces histidine 381 with arginine.
Molecular consequence: missense variant.
Genome position (GRCh38, 1-based): chr4:22,436,585, T>C on the plus strand (A>G on the coding strand, the complement: ADGRA3 is on the minus strand). VCF-style: chr4-22436585-T-C. GRCh37 (hg19) VCF-style: chr4-22438208-T-C.
Other names: c.1142A>G (NM_145290.2); short protein forms H381R.
Identifiers: ClinVar variation 1954286 (VCV001954286.6), dbSNP rs1377478870, ClinGen allele CA356482352.